The following is an entry in ClinVar:

ClinVar aggregate classification (germline): Uncertain significance (1 of 4 stars; one submission).

Conditions:
Brachyolmia-amelogenesis imperfecta syndrome. Also called: PLATYSPONDYLY WITH AMELOGENESIS IMPERFECTA; Tooth agenesis, selective, 6; Dental anomalies and short stature. Identifiers: Orphanet 2899, MedGen C1832594, MONDO:0011018, OMIM 601216. Disease mechanism: loss of function.

Submission:

Labcorp Genetics (formerly Invitae), Labcorp
Classification: Uncertain significance for Brachyolmia-amelogenesis imperfecta syndrome. Last evaluated: 2024-03-26. Review status: criteria provided, single submitter. Criteria: Invitae Variant Classification Sherloc (09022015). Collection method: clinical testing. Allele origin: germline.
Comment: This sequence change falls in intron 6 of the LTBP3 gene. It does not directly change the encoded amino acid sequence of the LTBP3 protein. It affects a nucleotide within the consensus splice site. This variant is not present in population databases (gnomAD no frequency). This variant has not been reported in the literature in individuals affected with LTBP3-related conditions. Variants that disrupt the consensus splice site are a relatively common cause of aberrant splicing (PMID: 17576681, 9536098). Algorithms developed to predict the effect of sequence changes on RNA splicing suggest that this variant may disrupt the consensus splice site. In summary, the available evidence is currently insufficient to determine the role of this variant in disease. Therefore, it has been classified as a Variant of Uncertain Significance.

Literature cited by the submitters: PubMed 17576681; PubMed 9536098.

NM_001130144.3(LTBP3):c.1186+5del

Gene: LTBP3 (latent transforming growth factor beta binding protein 3; minus strand). Cytogenetic location: 11q13.1.
Variant type: Deletion.
Coding change: c.1186+5del on transcript NM_001130144.3 (MANE Select); 5 bases into the intron after coding-DNA position 1186, one base deleted (G; older notation c.1186+5delG).
Molecular consequence: intron variant.
Genome position (GRCh38, 1-based): chr11:65,552,855, C deleted on the plus strand (G on the coding strand, the reverse complement: LTBP3 is on the minus strand). VCF-style (leftmost placement, unchanged base first): chr11-65552854-TC-T. GRCh37 (hg19) VCF-style: chr11-65320325-TC-T.
Other names: c.835+5del (NM_001164266.1); c.1186+5del (NM_021070.4).
Identifiers: ClinVar variation 3698195 (VCV003698195.2).